The following is an entry in ClinVar:

NM_001711.6(BGN):c.196G>A (p.Gly66Ser)

Gene: BGN (biglycan; plus strand). Cytogenetic location: Xq28.
Variant type: single nucleotide variant.
Coding change: c.196G>A on transcript NM_001711.6 (MANE Select); coding-DNA position 196, G replaced by A.
Protein change: p.Gly66Ser; replaces glycine 66 with serine.
Molecular consequence: missense variant.
Genome position (GRCh38, 1-based): chrX:153,504,827, G>A. VCF-style: chrX-153504827-G-A. GRCh37 (hg19) VCF-style: chrX-152770285-G-A.
Other names: c.196G>A (NM_001711.5, NM_001711.4); short protein forms G66S.
Identifiers: ClinVar variation 2093719 (VCV002093719.8), dbSNP rs782424958, ClinGen allele CA337213599.

ClinVar aggregate classification (germline): Uncertain significance. Review status: criteria provided, multiple submitters, no conflicts (2 of 4 stars). 4 submissions from 4 submitters: Uncertain significance (4). Last evaluated 2025-06-20.

Conditions:
Meester-Loeys syndrome. Also called: X-linked severe syndromic thoracic aortic aneurysm and dissection. Identifiers: Orphanet 622925, MedGen C4310811, MONDO:0010515, OMIM 300989.
Cardiovascular phenotype. Identifiers: MedGen CN230736.

Allele frequency attached by ClinVar (database versions not stated): TOPMed 0.00002.
gnomAD v4.1: 6 of 1,210,122 alleles (0.0005%); highest among the groups gnomAD compares: Non-Finnish European, 0.00067%; no homozygotes.

Submissions (5):

Ambry Genetics
Classification: Uncertain significance for Cardiovascular phenotype. Last evaluated: 2025-06-20. Review status: criteria provided, single submitter. Criteria: Ambry Variant Classification Scheme 2023. Collection method: clinical testing. Allele origin: germline.
Comment: The p.G66S variant (also known as c.196G>A), located in coding exon 1 of the BGN gene, results from a G to A substitution at nucleotide position 196. The glycine at codon 66 is replaced by serine, an amino acid with similar properties. This amino acid position is highly conserved in available vertebrate species. In addition, this alteration is predicted to be deleterious by in silico analysis. Based on the available evidence, the clinical significance of this variant remains unclear.

Labcorp Genetics (formerly Invitae), Labcorp
Classification: Uncertain significance. Last evaluated: 2023-11-16. Review status: criteria provided, single submitter. Criteria: Invitae Variant Classification Sherloc (09022015). Collection method: clinical testing. Allele origin: germline.
Comment: This sequence change replaces glycine, which is neutral and non-polar, with serine, which is neutral and polar, at codon 66 of the BGN protein (p.Gly66Ser). This variant is not present in population databases (gnomAD no frequency). This variant has not been reported in the literature in individuals affected with BGN-related conditions. ClinVar contains an entry for this variant (Variation ID: 2093719). Advanced modeling of protein sequence and biophysical properties (such as structural, functional, and spatial information, amino acid conservation, physicochemical variation, residue mobility, and thermodynamic stability) performed at Invitae indicates that this missense variant is not expected to disrupt BGN protein function with a negative predictive value of 80%. In summary, the available evidence is currently insufficient to determine the role of this variant in disease. Therefore, it has been classified as a Variant of Uncertain Significance.

Women's Health and Genetics/Laboratory Corporation of America, LabCorp
Classification: Uncertain significance. Last evaluated: 2023-08-10. Review status: criteria provided, single submitter. Criteria: LabCorp Variant Classification Summary - May 2015. Collection method: clinical testing. Allele origin: germline.

Illumina Laboratory Services, Illumina
Classification: Uncertain significance for Meester-Loeys syndrome. Last evaluated: 2018-06-06. Review status: criteria provided, single submitter. Criteria: ICSLVariantClassificationCriteria RUGD 01 April 2020. Collection method: clinical testing. Allele origin: unknown.
Comment: The BGN c.196G>A (p.(Gly66Ser) missense variant has not, to our knowledge, been reported in the peer-reviewed literature. This variant is reported in the Genome Aggregation Database in six alleles, including one hemizygote, at a frequency of 0.000007 in the European (non-Finnish) population (version 4.0.0). Based on the limited evidence, the p.Gly66Ser is classified as a variant of uncertain significance for Meester-Loeys syndrome.

Dr. Peter K. Rogan Lab, Western University
No classification provided (evidence only). Condition: Thyroid cancer, nonmedullary, 1. Review status: no classification provided. Collection method: in vitro. Allele origin: not applicable. Functional consequence: retained intron. Not counted in ClinVar's aggregate classification.